The following is an entry in ClinVar:

NM_000038.6(APC):c.1958+35A>G

Gene: APC (APC regulator of Wnt signaling pathway; plus strand). Cytogenetic location: 5q22.2.
Variant type: single nucleotide variant.
Coding change: c.1958+35A>G on transcript NM_000038.6 (MANE Select); 35 bases into the intron after coding-DNA position 1958, A replaced by G.
Molecular consequence: intron variant.
Genome position (GRCh38, 1-based): chr5:112,835,200, A>G. VCF-style: chr5-112835200-A-G. GRCh37 (hg19) VCF-style: chr5-112170897-A-G.
Other names: c.1109+35A>G (NM_001407470.1, NM_001354906.2); c.806+35A>G (NM_001407472.1, NM_001407471.1); c.2012+35A>G (NM_001407447.1, NM_001407448.1, NM_001407449.1 and 1 more transcripts); c.1958+35A>G (NM_001354895.2, NM_001407450.1, NM_001127510.3); c.1709+35A>G (NM_001407456.1, NM_001407457.1, NM_001407455.1 and 1 more transcripts); c.1655+35A>G (NM_001407460.1, NM_001407458.1, NM_001407459.1 and 1 more transcripts); c.1928+35A>G (NM_001407452.1); c.1571+35A>G (NM_001407469.1, NM_001407467.1); and 11 more.
Identifiers: ClinVar variation 3148137 (VCV003148137.1), dbSNP rs1179400538, ClinGen allele CA562217602.

ClinVar aggregate classification (germline): Benign (1 of 4 stars; one submission).

Conditions:
Familial adenomatous polyposis 1 (FAP1). Also called: POLYPOSIS, ADENOMATOUS INTESTINAL; FAMILIAL ADENOMATOUS POLYPOSIS 1, ATTENUATED. Identifiers: MedGen C2713442, MONDO:0021056, OMIM 175100. Disease mechanism: loss of function.

Allele frequency attached by ClinVar (database versions not stated): gnomAD exomes below 0.00001.
gnomAD v4.1: 1 of 1,548,840 alleles (0.000065%); highest among the groups gnomAD compares: East Asian, 0.0024%; no homozygotes.

Submission:

Myriad Genetics, Inc.
Classification: Benign for Familial adenomatous polyposis 1. Last evaluated: 2024-03-08. Review status: criteria provided, single submitter. Criteria: Myriad Autosomal Dominant, Autosomal Recessive and X-Linked Classification Criteria (2023). Collection method: clinical testing. Allele origin: unknown.
Comment: This variant is considered benign. This variant is intronic and is not expected to impact mRNA splicing.